The following continues an entry in ClinVar:

NM_000492.4(CFTR):c.489+3A>G

Gene: CFTR. ClinVar aggregate classification (germline): Conflicting classifications of pathogenicity. Pathogenic (4); Likely pathogenic (16); Uncertain significance (7).

Submissions 19 to 29 of 29:

Genome-Nilou Lab
Classification: Likely pathogenic for Cystic fibrosis. Last evaluated: 2021-07-22. Review status: criteria provided, single submitter. Criteria: ACMG Guidelines, 2015. Collection method: clinical testing. Allele origin: germline. Affected: no.

Sema4
Classification: Uncertain significance for Hereditary pancreatitis. Last evaluated: 2021-04-21. Review status: criteria provided, single submitter. Criteria: Sema4 Curation Guidelines. Collection method: curation. Allele origin: germline.
Comment: The CFTR c.489+3A>G variant has been reported in multiple individuals with cystic fibrosis (PMID: 11810271, 28603918, 28544683), pancreatitis (PMID: 27264265), or other CFTR-related disorders (PMID: 20021716, 22020151). However, this variant has also been reported in compound heterozygosity with a pathogenic variant in healthy individuals (PMID: 19893581, 33260873,198935810). In silico tools suggest the impact of the variant on splicing is deleterious, and functional studies have shown that this variant results in approximately 40% normally spliced transcript and 60% aberrantly spliced transcript (PMID: 19893581, 11810271). It was observed in 49/125388 chromosomes of the Non-Finnish European subpopulation, with 0 homozygotes, in the large and broad cohorts of the Genome Aggregation Database. The variant has been reported in ClinVar (Variation ID 53971). The evidence is insufficient to meet ACMG/AMP criteria for classifying the variant as benign or pathogenic. Thus, the clinical significance of this variant is currently uncertain.

Johns Hopkins Genomics, Johns Hopkins University
Classification: Likely pathogenic for Cystic fibrosis. Last evaluated: 2020-01-29. Review status: criteria provided, single submitter. Criteria: ACMG Guidelines, 2015. Collection method: clinical testing. Allele origin: germline.
Comment: CFTR variant associated with variable clinical consequences. See CFTR2 for phenotype information.

Mendelics
Classification: Uncertain significance for Cystic fibrosis. Last evaluated: 2018-11-05. Review status: criteria provided, single submitter. Criteria: Mendelics Assertion Criteria 2017. Collection method: clinical testing. Allele origin: unknown. Affected: yes.

CFTR-France
Classification: Pathogenic for CFTR-related disorders. Last evaluated: 2018-03-09. Review status: criteria provided, single submitter. Criteria: Claustres M et al. (Hum Mutat 2017). Collection method: curation. Allele origin: germline. Affected: yes and no.

Eurofins Ntd Llc (ga)
Classification: Uncertain significance. Last evaluated: 2017-11-22. Review status: criteria provided, single submitter. Criteria: EGL Classification Definitions 2015. Collection method: clinical testing. Allele origin: germline. Observed: 4 variant alleles, 4 heterozygotes.

GeneDx
Classification: Uncertain significance. Last evaluated: 2017-07-28. Review status: criteria provided, single submitter. Criteria: GeneDx Variant Classification (06012015). Collection method: clinical testing. Allele origin: germline. Affected: yes.
Comment: The c.489+3A>G variant in the CFTR gene, also referred to as c.621+3A>G, has been reported in the heterozygous state patients with sarcoidosis, CAVD, and azoospermia without CAVD (Bombieri et al., 2000; Amato et al., 2012; Gallati et al., 2009). This variant reduces the quality of the splice donor site in intron 4, and may cause abnormal gene splicing. The c.489+3A>G variant is observed in 30/50716 (0.06%) alleles in the ExAC dataset (Lek et al., 2016). We interpret c.489+3A>G as a variant of uncertain significance.

Baylor Genetics
Classification: Likely pathogenic for Cystic fibrosis. Review status: criteria provided, single submitter. Criteria: ACMG Guidelines, 2015. Collection method: clinical testing. Allele origin: unknown.

Kariminejad - Najmabadi Pathology & Genetics Center
Classification: Likely pathogenic for Cystic fibrosis. Review status: criteria provided, single submitter. Criteria: ACMG Guidelines, 2015. Collection method: clinical testing. Allele origin: germline. Affected: no.

Clinical Genetics DNA and cytogenetics Diagnostics Lab, Erasmus MC, Erasmus Medical Center
Classification: Uncertain significance. Review status: no assertion criteria provided. Collection method: clinical testing. Allele origin: germline. Affected: yes. Study: VKGL Data-share Consensus. Not counted in ClinVar's aggregate classification.

Joint Genome Diagnostic Labs from Nijmegen and Maastricht, Radboudumc and MUMC+
Classification: Uncertain significance. Review status: no assertion criteria provided. Collection method: clinical testing. Allele origin: germline. Affected: yes. Study: VKGL Data-share Consensus. Not counted in ClinVar's aggregate classification.

Literature cited by the submitters: PubMed 10980579 (cited by 4 submitters); PubMed 11810271 (cited by 7 submitters); PubMed 19893581 (cited by 6 submitters); PubMed 20021716 (cited by 5 submitters); PubMed 22020151 (cited by 5 submitters); PubMed 17576681 (cited by Labcorp Genetics (formerly Invitae), Labcorp); PubMed 9536098 (cited by Labcorp Genetics (formerly Invitae), Labcorp); PubMed 33260873 (cited by 4 submitters); PubMed 25910067 (cited by Natera, Inc.); PubMed 17572159 (cited by 3 submitters); PubMed 34600583 (cited by Natera, Inc.); PubMed 17850636 (cited by Women's Health and Genetics/Laboratory Corporation of America, LabCorp); PubMed 12752573 (cited by Women's Health and Genetics/Laboratory Corporation of America, LabCorp); PubMed 20932301 (cited by Women's Health and Genetics/Laboratory Corporation of America, LabCorp); PubMed 20657600 (cited by Women's Health and Genetics/Laboratory Corporation of America, LabCorp); PubMed 22439019 (cited by Women's Health and Genetics/Laboratory Corporation of America, LabCorp); PubMed 25304080 (cited by Women's Health and Genetics/Laboratory Corporation of America, LabCorp); PubMed 25308578 (cited by Women's Health and Genetics/Laboratory Corporation of America, LabCorp); PubMed 27264265 (cited by Women's Health and Genetics/Laboratory Corporation of America, LabCorp and Sema4); PubMed 28544683 (cited by 3 submitters); PubMed 28603918 (cited by Women's Health and Genetics/Laboratory Corporation of America, LabCorp and Sema4); PubMed 26990548 (cited by Women's Health and Genetics/Laboratory Corporation of America, LabCorp and Quest Diagnostics Nichols Institute San Juan Capistrano); PubMed 38493004 (cited by Women's Health and Genetics/Laboratory Corporation of America, LabCorp); PubMed 20522854 (cited by Ambry Genetics and Quest Diagnostics Nichols Institute San Juan Capistrano); PubMed 34426522 (cited by Quest Diagnostics Nichols Institute San Juan Capistrano); PubMed 31331863 (cited by Quest Diagnostics Nichols Institute San Juan Capistrano).